The following is an entry in ClinVar:

ClinVar aggregate classification (germline): Uncertain significance (1 of 4 stars; one submission).

Conditions:
Nemaline myopathy 6 (NEM6). Also called: Nemaline myopathy 6, autosomal dominant. Identifiers: Orphanet 171439, MedGen C1836472, MONDO:0012237, OMIM 609273.

Allele frequency attached by ClinVar (database versions not stated): TOPMed below 0.00001; gnomAD 0.00001.

Submission:

Labcorp Genetics (formerly Invitae), Labcorp
Classification: Uncertain significance for Nemaline myopathy 6. Last evaluated: 2023-06-13. Review status: criteria provided, single submitter. Criteria: Invitae Variant Classification Sherloc (09022015). Collection method: clinical testing. Allele origin: germline.
Comment: Advanced modeling of protein sequence and biophysical properties (such as structural, functional, and spatial information, amino acid conservation, physicochemical variation, residue mobility, and thermodynamic stability) performed at Invitae indicates that this missense variant is not expected to disrupt KBTBD13 protein function. In summary, the available evidence is currently insufficient to determine the role of this variant in disease. Therefore, it has been classified as a Variant of Uncertain Significance. This variant has not been reported in the literature in individuals affected with KBTBD13-related conditions. This variant is not present in population databases (gnomAD no frequency). This sequence change replaces alanine, which is neutral and non-polar, with proline, which is neutral and non-polar, at codon 46 of the KBTBD13 protein (p.Ala46Pro).

NM_001101362.3(KBTBD13):c.136G>C (p.Ala46Pro)

Gene: KBTBD13 (kelch repeat and BTB domain containing 13; plus strand). Cytogenetic location: 15q22.31.
Variant type: single nucleotide variant.
Coding change: c.136G>C on transcript NM_001101362.3 (MANE Select); coding-DNA position 136, G replaced by C.
Protein change: p.Ala46Pro; replaces alanine 46 with proline.
Molecular consequence: missense variant.
Genome position (GRCh38, 1-based): chr15:65,076,951, G>C. VCF-style: chr15-65076951-G-C. GRCh37 (hg19) VCF-style: chr15-65369289-G-C.
Other names: short protein forms A46P.
Identifiers: ClinVar variation 2728958 (VCV002728958.3), dbSNP rs1438423655, ClinGen allele CA392856656.